The following is an entry in ClinVar:

NM_201384.3(PLEC):c.913C>T (p.Arg305Cys)

Gene: PLEC (plectin; minus strand). Cytogenetic location: 8q24.3.
Variant type: single nucleotide variant.
Coding change: c.913C>T on transcript NM_201384.3 (MANE Select); coding-DNA position 913, C replaced by T.
Protein change: p.Arg305Cys; replaces arginine 305 with cysteine.
Molecular consequence: missense variant.
Genome position (GRCh38, 1-based): chr8:143,934,842, G>A on the plus strand (C>T on the coding strand, the complement: PLEC is on the minus strand). VCF-style: chr8-143934842-G-A. GRCh37 (hg19) VCF-style: chr8-145009010-G-A.
Other names: c.994C>T, p.Arg332Cys (NM_000445.5, NM_001410941.1); c.871C>T, p.Arg291Cys (NM_201378.4); c.847C>T, p.Arg283Cys (NM_201379.3); c.1324C>T, p.Arg442Cys (NM_201380.4); c.817C>T, p.Arg273Cys (NM_201381.3); c.913C>T, p.Arg305Cys (NM_201382.4); c.925C>T, p.Arg309Cys (NM_201383.3); short protein forms R291C, R305C, R309C, R273C, R283C, R442C, R332C.
Identifiers: ClinVar variation 1935452 (VCV001935452.5), dbSNP rs782543357, ClinGen allele CA4928260.

ClinVar aggregate classification (germline): Uncertain significance (1 of 4 stars; one submission).

Conditions:
Epidermolysis bullosa simplex with nail dystrophy (EBS5D). Identifiers: MedGen C4225309, MONDO:0014661, OMIM 616487.
Epidermolysis bullosa simplex 5B, with muscular dystrophy (EBS5B). Also called: Epidermolysis bullosa simplex with muscular dystrophy; EPIDERMOLYSIS BULLOSA SIMPLEX AND LIMB-GIRDLE MUSCULAR DYSTROPHY. Identifiers: Orphanet 257, MedGen C2931072, MONDO:0009181, OMIM 226670.
Epidermolysis bullosa simplex, Ogna type (EBS5A). Also called: EPIDERMOLYSIS BULLOSA SIMPLEX 5A, OGNA TYPE; Pidermolysis bullosa simplex 5A, Ogna type. Identifiers: Orphanet 79401, MedGen C0432317, MONDO:0007555, OMIM 131950.
Epidermolysis bullosa simplex 5C, with pyloric atresia (EBS5C). Also called: PLEC-Related Epidermolysis Bullosa with Pyloric Atresia; Epidermolysis bullosa simplex with pyloric atresia; PLEC1-Related Epidermolysis Bullosa with Pyloric Atresia. Identifiers: Orphanet 158684, MedGen C2677349, MONDO:0012807, OMIM 612138.
Autosomal recessive limb-girdle muscular dystrophy type 2Q (LGMDR17). Also called: MUSCULAR DYSTROPHY, LIMB-GIRDLE, AUTOSOMAL RECESSIVE 17. Identifiers: Orphanet 254361, MedGen C3150989, MONDO:0013390, OMIM 613723.

Allele frequency attached by ClinVar (database versions not stated): gnomAD 0.00001; ExAC 0.00004.
gnomAD v4.1: 50 of 1,611,414 alleles (0.0031%); highest among the groups gnomAD compares: Non-Finnish European, 0.0039%; no homozygotes.

Submission:

Labcorp Genetics (formerly Invitae), Labcorp
Classification: Uncertain significance for Autosomal recessive limb-girdle muscular dystrophy type 2Q; Epidermolysis bullosa simplex, Ogna type; Epidermolysis bullosa simplex with nail dystrophy; Epidermolysis bullosa simplex 5C, with pyloric atresia; Epidermolysis bullosa simplex 5B, with muscular dystrophy. Last evaluated: 2025-10-17. Review status: criteria provided, single submitter. Criteria: Invitae Variant Classification Sherloc (09022015). Collection method: clinical testing. Allele origin: germline.
Comment: This sequence change replaces arginine, which is basic and polar, with cysteine, which is neutral and slightly polar, at codon 332 of the PLEC protein (p.Arg332Cys). This variant is present in population databases (rs782543357, gnomAD 0.006%). This variant has not been reported in the literature in individuals affected with PLEC-related conditions. ClinVar contains an entry for this variant (Variation ID: 1935452). Invitae Evidence Modeling of protein sequence and biophysical properties (such as structural, functional, and spatial information, amino acid conservation, physicochemical variation, residue mobility, and thermodynamic stability) indicates that this missense variant is not expected to disrupt PLEC protein function with a negative predictive value of 80%. In summary, the available evidence is currently insufficient to determine the role of this variant in disease. Therefore, it has been classified as a Variant of Uncertain Significance.